The following is an entry in ClinVar:

NM_001164508.2(NEB):c.10597CAC[3] (p.His3534dup)

Gene: NEB (nebulin; minus strand). Cytogenetic location: 2q23.3.
Variant type: Microsatellite.
Coding change: c.10597CAC[3] on transcript NM_001164508.2 (MANE Select); three copies in a row of the 3-base unit CAC starting at c.10597; the reference has two copies in a row; one copy, 3 bases duplicated.
Protein change: p.His3534dup; duplicates histidine 3534.
Molecular consequence: inframe insertion.
Genome position (GRCh38, 1-based): chr2:151,619,721-151,619,723, GTG duplicated on the plus strand (CAC on the coding strand, the reverse complement: NEB is on the minus strand); duplicating any 3 consecutive bases within chr2:151,619,721-151,619,726 gives the same sequence; the position shown is the placement nearest the transcript's 3' end. VCF-style (leftmost placement, unchanged base first): chr2-151619720-T-TGTG. GRCh37 (hg19) VCF-style: chr2-152476234-T-TGTG.
Other names: c.10597CAC[3], p.His3534dup (NM_001164507.2, NM_001271208.2); c.9868CAC[3], p.His3291dup (NM_004543.5).
Identifiers: ClinVar variation 1307607 (VCV001307607.2), dbSNP rs2154022798, ClinGen allele CA2580614363.

ClinVar aggregate classification (germline): Uncertain significance (1 of 4 stars; one submission).

Submission:

GeneDx
Classification: Uncertain significance. Last evaluated: 2019-03-12. Review status: criteria provided, single submitter. Criteria: GeneDx Variant Classification Process June 2021. Collection method: clinical testing. Allele origin: germline. Affected: yes.
Comment: Not observed in large population cohorts (Lek et al., 2016); In-frame insertion of one amino acid in a non-repeat region; In silico analysis, which includes protein predictors and evolutionary conservation, supports a deleterious effect